The following is an entry in ClinVar:

ClinVar aggregate classification (germline): Pathogenic (1 of 4 stars; one submission).

Submission:

Labcorp Genetics (formerly Invitae), Labcorp
Classification: Pathogenic. Last evaluated: 2023-07-25. Review status: criteria provided, single submitter. Criteria: Invitae Variant Classification Sherloc (09022015). Collection method: clinical testing. Allele origin: germline.
Comment: This variant disrupts the p.Gly1196 amino acid residue in COL4A5. Other variant(s) that disrupt this residue have been observed in individuals with COL4A5-related conditions (PMID: 9848783; Invitae), which suggests that this may be a clinically significant amino acid residue. This variant disrupts the triple helix domain of COL4A5. Glycine residues within the Gly-Xaa-Yaa repeats of the triple helix domain are required for the structure and stability of fibrillar collagens (PMID: 7695699, 8218237, 19344236). In COL4A5, missense variants at these glycine residues are significantly enriched in individuals with disease (PMID: 23720012, 27627812) compared to the general population (ExAC). Advanced modeling of protein sequence and biophysical properties (such as structural, functional, and spatial information, amino acid conservation, physicochemical variation, residue mobility, and thermodynamic stability) performed at Invitae indicates that this missense variant is expected to disrupt COL4A5 protein function. This missense change has been observed in individual(s) with Alport syndrome (PMID: 20378821). This variant is not present in population databases (gnomAD no frequency). This sequence change replaces glycine, which is neutral and non-polar, with glutamic acid, which is acidic and polar, at codon 1196 of the COL4A5 protein (p.Gly1196Glu). For these reasons, this variant has been classified as Pathogenic.

Literature cited by the submitters: PubMed 9848783; PubMed 7695699; PubMed 8218237; PubMed 19344236; PubMed 23720012; PubMed 27627812; PubMed 20378821.

NM_033380.3(COL4A5):c.3587G>A (p.Gly1196Glu)

Gene: COL4A5 (collagen type IV alpha 5 chain; plus strand). Cytogenetic location: Xq22.3.
Variant type: single nucleotide variant.
Coding change: c.3587G>A on transcript NM_033380.3 (MANE Select); coding-DNA position 3587, G replaced by A.
Protein change: p.Gly1196Glu; replaces glycine 1196 with glutamic acid.
Molecular consequence: missense variant.
Genome position (GRCh38, 1-based): chrX:108,667,166, G>A. VCF-style: chrX-108667166-G-A. GRCh37 (hg19) VCF-style: chrX-107910396-G-A.
Other names: c.3587G>A, p.Gly1196Glu (NM_000495.5); short protein forms G1196E.
Identifiers: ClinVar variation 2737348 (VCV002737348.3), dbSNP rs281874717, ClinGen allele CA258902.
Genomic context (GRCh38, chrX:108,667,166, plus strand): 5'-GTTTTGTTTTGTTTTGTACTCTGACAGGTCAACCAGGCTTTGGAAACCCAGGACCCCCTG[G>A]ACTTCCAGGACTTTCTGGTAAACCTTAATAAAACATGCTAAATCAATCTATAATAAAATG-3'
Protein context (NP_203699.1, residues 1186-1206): QPGFGNPGPP[Gly1196Glu]LPGLSGQKGD